The following is an entry in ClinVar:

ClinVar aggregate classification (germline): Uncertain significance (1 of 4 stars; one submission).

Conditions:
Nance-Horan syndrome (NHS). Identifiers: Orphanet 627, MedGen C0796085, MONDO:0010545, OMIM 302350.

Submission:

Labcorp Genetics (formerly Invitae), Labcorp
Classification: Uncertain significance for Nance-Horan syndrome. Last evaluated: 2026-01-06. Review status: criteria provided, single submitter. Criteria: Invitae Variant Classification Sherloc (09022015). Collection method: clinical testing. Allele origin: germline.
Comment: This sequence change replaces serine, which is neutral and polar, with threonine, which is neutral and polar, at codon 683 of the NHS protein (p.Ser683Thr). This variant is not present in population databases (gnomAD no frequency). This variant has not been reported in the literature in individuals affected with NHS-related conditions. Invitae Evidence Modeling of protein sequence and biophysical properties (such as structural, functional, and spatial information, amino acid conservation, physicochemical variation, residue mobility, and thermodynamic stability) indicates that this missense variant is expected to disrupt NHS protein function with a positive predictive value of 80%. In summary, the available evidence is currently insufficient to determine the role of this variant in disease. Therefore, it has been classified as a Variant of Uncertain Significance.

NM_001291867.2(NHS):c.2110T>A (p.Ser704Thr)

Gene: NHS (NHS actin remodeling regulator; plus strand). Cytogenetic location: Xp22.13.
Variant type: single nucleotide variant.
Coding change: c.2110T>A on transcript NM_001291867.2 (MANE Select); coding-DNA position 2110, T replaced by A.
Protein change: p.Ser704Thr; replaces serine 704 with threonine.
Molecular consequence: missense variant.
Genome position (GRCh38, 1-based): chrX:17,726,216, T>A. VCF-style: chrX-17726216-T-A. GRCh37 (hg19) VCF-style: chrX-17744336-T-A.
Other names: c.1579T>A, p.Ser527Thr (NM_001136024.4); c.1516T>A, p.Ser506Thr (NM_001291868.2); c.1771T>A, p.Ser591Thr (NM_001440780.1); c.2047T>A, p.Ser683Thr (NM_198270.4); short protein forms S704T, S506T, S527T, S683T, S591T.
Identifiers: ClinVar variation 4772007 (VCV004772007.1).
Genomic context (GRCh38, chrX:17,726,216, plus strand): 5'-ACAGAGCAATACAATGACCACTTGGATAAAGTGAGAGGCCATCGGGCAAACTCCTTTACC[T>A]CCACTGTTGCAGACCTGCTGGATGATCCCAACAACAGCAACACAAGTGACAGTGAGTGGA-3'
Protein context (NP_001278796.1, residues 694-714): VRGHRANSFT[Ser704Thr]TVADLLDDPN